The following is an entry in ClinVar:

ClinVar aggregate classification (germline): Benign (0 of 4 stars; one submission).

Conditions:
NACC1-related disorder. Also called: NACC1-related condition.

Allele frequency attached by ClinVar (database versions not stated): TOPMed 0.00339; ESP Exome Variant Server 0.00408; 1000 Genomes Project 0.00459; gnomAD 0.00469; 1000 Genomes Project 30x 0.00531; gnomAD exomes 0.00597; ExAC 0.00755.
gnomAD v4.1: 9,400 of 1,608,790 alleles (0.58%); highest among the groups gnomAD compares: South Asian, 1.6%; 57 homozygotes.

Submission:

PreventionGenetics, part of Exact Sciences
Classification: Benign for NACC1-related condition. Last evaluated: 2021-08-30. Review status: no assertion criteria provided. Collection method: clinical testing. Allele origin: germline.
Comment: This variant is classified as benign based on ACMG/AMP sequence variant interpretation guidelines (Richards et al. 2015 PMID: 25741868, with internal and published modifications).

NM_052876.4(NACC1):c.*3C>T

Gene: NACC1 (nucleus accumbens associated 1; plus strand). Cytogenetic location: 19p13.13.
Variant type: single nucleotide variant.
Coding change: c.*3C>T on transcript NM_052876.4 (MANE Select); 3 bases downstream of the stop codon, C replaced by T.
Molecular consequence: 3 prime UTR variant.
Genome position (GRCh38, 1-based): chr19:13,138,409, C>T. VCF-style: chr19-13138409-C-T. GRCh37 (hg19) VCF-style: chr19-13249223-C-T.
Identifiers: ClinVar variation 3037499 (VCV003037499.2), dbSNP rs45554531, ClinGen allele CA9238565.